The following is an entry in ClinVar:

NM_003200.5(TCF3):c.1936G>A (p.Glu646Lys)

Gene: TCF3 (transcription factor 3; minus strand). Cytogenetic location: 19p13.3.
Variant type: single nucleotide variant.
Coding change: c.1936G>A on transcript NM_003200.5 (MANE Select); coding-DNA position 1936, G replaced by A.
Protein change: p.Glu646Lys; replaces glutamic acid 646 with lysine.
Molecular consequence: missense variant.
Genome position (GRCh38, 1-based): chr19:1,611,736, C>T on the plus strand (G>A on the coding strand, the complement: TCF3 is on the minus strand). VCF-style: chr19-1611736-C-T. GRCh37 (hg19) VCF-style: chr19-1611735-C-T.
Other names: c.1927G>A, p.Glu643Lys (NM_001136139.4, NM_001351779.2); c.1933G>A, p.Glu645Lys (NM_001351778.2); short protein forms E645K, E643K, E646K.
Identifiers: ClinVar variation 1491945 (VCV001491945.8), dbSNP rs375296938, ClinGen allele CA9049502.

ClinVar aggregate classification (germline): Uncertain significance (1 of 4 stars; one submission).

Allele frequency attached by ClinVar (database versions not stated): gnomAD 0.00001; ExAC 0.00003; gnomAD exomes 0.00001; ESP Exome Variant Server 0.00015.
gnomAD v4.1: 33 of 1,613,466 alleles (0.002%); highest among the groups gnomAD compares: Non-Finnish European, 0.0025%; no homozygotes.

Submission:

Labcorp Genetics (formerly Invitae), Labcorp
Classification: Uncertain significance. Last evaluated: 2024-09-21. Review status: criteria provided, single submitter. Criteria: Invitae Variant Classification Sherloc (09022015). Collection method: clinical testing. Allele origin: germline.
Comment: This sequence change replaces glutamic acid, which is acidic and polar, with lysine, which is basic and polar, at codon 646 of the TCF3 protein (p.Glu646Lys). This variant is present in population databases (rs375296938, gnomAD 0.004%). This variant has not been reported in the literature in individuals affected with TCF3-related conditions. ClinVar contains an entry for this variant (Variation ID: 1491945). Invitae Evidence Modeling of protein sequence and biophysical properties (such as structural, functional, and spatial information, amino acid conservation, physicochemical variation, residue mobility, and thermodynamic stability) indicates that this missense variant is not expected to disrupt TCF3 protein function with a negative predictive value of 80%. In summary, the available evidence is currently insufficient to determine the role of this variant in disease. Therefore, it has been classified as a Variant of Uncertain Significance.